The following is an entry in ClinVar:

NM_004364.5(CEBPA):c.308G>A (p.Gly103Asp)

Gene: CEBPA (CCAAT enhancer binding protein alpha; minus strand). Cytogenetic location: 19q13.11.
Variant type: single nucleotide variant.
Coding change: c.308G>A on transcript NM_004364.5 (MANE Select); coding-DNA position 308, G replaced by A.
Protein change: p.Gly103Asp; replaces glycine 103 with aspartic acid.
Molecular consequence: missense variant. On other transcripts: 5 prime UTR variant (1).
Genome position (GRCh38, 1-based): chr19:33,302,107, C>T on the plus strand (G>A on the coding strand, the complement: CEBPA is on the minus strand). VCF-style: chr19-33302107-C-T. GRCh37 (hg19) VCF-style: chr19-33793013-C-T.
Other names: c.-50G>A (NM_001285829.2); c.413G>A, p.Gly138Asp (NM_001287424.2); c.266G>A, p.Gly89Asp (NM_001287435.2); short protein forms G89D, G138D, G103D.
Identifiers: ClinVar variation 1394687 (VCV001394687.8), dbSNP rs2145263144, ClinGen allele CA405275224.

ClinVar aggregate classification (germline): Uncertain significance (1 of 4 stars; one submission).

Conditions:
Acute myeloid leukemia (AML). Also called: Leukemia, acute myeloid, somatic; Leukemia, acute myelogenous, somatic; Acute myeloid leukemia, adult; AML adult; Acute non-lymphocytic leukemia; Acute granulocytic leukemia. Identifiers: Orphanet 519, MedGen C0023467, MeSH D015470, MONDO:0018874, OMIM 601626, HP:0004808. Disease mechanism: Constitutively activated FLT3.

Submission:

Labcorp Genetics (formerly Invitae), Labcorp
Classification: Uncertain significance for Acute myeloid leukemia. Last evaluated: 2020-12-03. Review status: criteria provided, single submitter. Criteria: Invitae Variant Classification Sherloc (09022015). Collection method: clinical testing. Allele origin: germline.
Comment: In summary, the available evidence is currently insufficient to determine the role of this variant in disease. Therefore, it has been classified as a Variant of Uncertain Significance. Algorithms developed to predict the effect of missense changes on protein structure and function are either unavailable or do not agree on the potential impact of this missense change (SIFT: "Tolerated"; PolyPhen-2: "Probably Damaging"; Align-GVGD: "Class C0"). This variant has not been reported in the literature in individuals with CEBPA-related conditions. The frequency data for this variant in the population databases is considered unreliable, as metrics indicate insufficient coverage at this position in the ExAC database. This sequence change replaces glycine with aspartic acid at codon 103 of the CEBPA protein (p.Gly103Asp). The glycine residue is weakly conserved and there is a moderate physicochemical difference between glycine and aspartic acid.